The following is an entry in ClinVar:

NM_001243177.4(ALDOA):c.302T>C (p.Ile101Thr)

Genes: ALDOA (aldolase, fructose-bisphosphate A; plus strand), LOC112694756 (uncharaterized LOC112694756; plus strand). Cytogenetic location: 16p11.2.
Variant type: single nucleotide variant.
Coding change: c.302T>C on transcript NM_001243177.4 (MANE Select); coding-DNA position 302, T replaced by C.
Protein change: p.Ile101Thr; replaces isoleucine 101 with threonine.
Molecular consequence: missense variant. On other transcripts: 3 prime UTR variant (3).
Genome position (GRCh38, 1-based): chr16:30,067,477, T>C. VCF-style: chr16-30067477-T-C. GRCh37 (hg19) VCF-style: chr16-30078798-T-C.
Other names: c.*649T>C (NM_001365304.2, NM_001365305.2, NM_001365307.2); c.140T>C, p.Ile47Thr (NM_001127617.2, NM_184041.5, NM_184043.2); short protein forms I101T, I47T.
Identifiers: ClinVar variation 2113458 (VCV002113458.4), dbSNP rs2543602639, ClinGen allele CA395485696.

ClinVar aggregate classification (germline): Uncertain significance (1 of 4 stars; one submission).

Conditions:
HNSHA due to aldolase A deficiency (GSD12). Also called: GLYCOGEN STORAGE DISEASE XII; GSD XII; RED CELL ALDOLASE DEFICIENCY; Glycogen storage disease due to aldolase A deficiency. Identifiers: Orphanet 57, MedGen C0272066, MONDO:0012747, OMIM 611881.

Allele frequency attached by ClinVar (database versions not stated): gnomAD exomes below 0.00001.
gnomAD v4.1: 3 of 1,613,102 alleles (0.00019%); highest among the groups gnomAD compares: Non-Finnish European, 0.000085%; no homozygotes.

Submission:

Labcorp Genetics (formerly Invitae), Labcorp
Classification: Uncertain significance for HNSHA due to aldolase A deficiency. Last evaluated: 2025-01-13. Review status: criteria provided, single submitter. Criteria: Invitae Variant Classification Sherloc (09022015). Collection method: clinical testing. Allele origin: germline.
Comment: This sequence change replaces isoleucine, which is neutral and non-polar, with threonine, which is neutral and polar, at codon 47 of the ALDOA protein (p.Ile47Thr). This variant is not present in population databases (gnomAD no frequency). This variant has not been reported in the literature in individuals affected with ALDOA-related conditions. ClinVar contains an entry for this variant (Variation ID: 2113458). An algorithm developed to predict the effect of missense changes on protein structure and function (PolyPhen-2) suggests that this variant is likely to be disruptive. In summary, the available evidence is currently insufficient to determine the role of this variant in disease. Therefore, it has been classified as a Variant of Uncertain Significance.